The following is an entry in ClinVar:

NM_014244.5(ADAMTS2):c.3219G>A (p.Met1073Ile)

Gene: ADAMTS2 (ADAM metallopeptidase with thrombospondin type 1 motif 2; minus strand). Cytogenetic location: 5q35.3.
Variant type: single nucleotide variant.
Coding change: c.3219G>A on transcript NM_014244.5 (MANE Select); coding-DNA position 3219, G replaced by A.
Protein change: p.Met1073Ile; replaces methionine 1073 with isoleucine.
Molecular consequence: missense variant.
Genome position (GRCh38, 1-based): chr5:179,114,284, C>T on the plus strand (G>A on the coding strand, the complement: ADAMTS2 is on the minus strand). VCF-style: chr5-179114284-C-T. GRCh37 (hg19) VCF-style: chr5-178541285-C-T.
Other names: c.3219G>A (NM_014244.4); short protein forms M1073I.
Identifiers: ClinVar variation 2036592 (VCV002036592.2), dbSNP rs143326244, ClinGen allele CA3595268.
Genomic context (GRCh38, chr5:179,114,284, plus strand): 5'-ACAGGACTTGCAGCACAGCTTGTTGTAGCCTGGGATGGAGCAATAGCGGGACAAGACTTC[C>T]ATCCTACAGAATATTGACTTGTCGCCTTGGCAGTGGCCCTCTGAAAAAGAAAAGTGGGAC-3'
Protein context (NP_055059.2, residues 1063-1083): CQGDKSIFCR[Met1073Ile]EVLSRYCSIP

ClinVar aggregate classification (germline): Uncertain significance. Review status: criteria provided, multiple submitters, no conflicts (2 of 4 stars). 2 submissions from 2 submitters: Uncertain significance (2). Last evaluated 2025-09-01.

Conditions:
Ehlers-Danlos syndrome, dermatosparaxis type. Also called: EDS VIIC; Ehlers-Danlos syndrome, type VII, autosomal recessive; Dermatosparaxis. Identifiers: Orphanet 1901, MedGen C2700425, MONDO:0009161, OMIM 225410.
Inborn genetic diseases. Identifiers: MedGen C0950123, MeSH D030342.

Allele frequency attached by ClinVar (database versions not stated): gnomAD 0.00001; gnomAD exomes 0.00001; ExAC 0.00002; TOPMed 0.00003; ESP Exome Variant Server 0.00008.

Submissions (2):

Ambry Genetics
Classification: Uncertain significance for Inborn genetic diseases. Last evaluated: 2025-09-01. Review status: criteria provided, single submitter. Criteria: Ambry Variant Classification Scheme 2023. Collection method: clinical testing. Allele origin: germline.

Labcorp Genetics (formerly Invitae), Labcorp
Classification: Uncertain significance for Ehlers-Danlos syndrome, dermatosparaxis type. Last evaluated: 2022-08-16. Review status: criteria provided, single submitter. Criteria: Invitae Variant Classification Sherloc (09022015). Collection method: clinical testing. Allele origin: germline.
Comment: This sequence change replaces methionine, which is neutral and non-polar, with isoleucine, which is neutral and non-polar, at codon 1073 of the ADAMTS2 protein (p.Met1073Ile). This variant is present in population databases (rs143326244, gnomAD 0.02%). This variant has not been reported in the literature in individuals affected with ADAMTS2-related conditions. Algorithms developed to predict the effect of missense changes on protein structure and function are either unavailable or do not agree on the potential impact of this missense change (SIFT: "Deleterious"; PolyPhen-2: "Benign"; Align-GVGD: "Class C0"). In summary, the available evidence is currently insufficient to determine the role of this variant in disease. Therefore, it has been classified as a Variant of Uncertain Significance.